The following is an entry in ClinVar:

ClinVar aggregate classification (germline): Uncertain significance. Review status: criteria provided, multiple submitters, no conflicts (2 of 4 stars). 2 submissions from 2 submitters: Uncertain significance (2). Last evaluated 2018-09-14.

Conditions:
CHARGE syndrome (CHARGE). Also called: Hittner Hirsch Kreh syndrome; Coloboma, heart anomaly, choanal atresia, retardation, genital and ear anomalies; CHARGE association; Hall-Hittner syndrome; CHARGE ASSOCIATION--COLOBOMA, HEART ANOMALY, CHOANAL ATRESIA, RETARDATION, GENITAL AND EAR ANOMALIES. Identifiers: Orphanet 138, MedGen C0265354, MONDO:0008965.

Submissions (2):

HudsonAlpha Institute for Biotechnology
Classification: Uncertain significance for CHD7-related CHARGE syndrome. Last evaluated: 2018-09-14. Review status: criteria provided, single submitter. Criteria: ACMG Guidelines, 2015. Collection method: research. Allele origin: paternal. Observed: 1 variant allele. Study: CSER-SouthSeq.
Comment: ACMG codes: PM2, PP1, PP3

Baylor Genetics
Classification: Uncertain significance for CHD7-related CHARGE syndrome. Last evaluated: 2017-09-01. Review status: criteria provided, single submitter. Criteria: ACMG Guidelines, 2015. Collection method: clinical testing. Allele origin: de novo. Inheritance: Autosomal dominant inheritance. Affected: yes.

Literature cited by the submitters: PubMed 17253929 (cited by Baylor Genetics); PubMed 25326635 (cited by Baylor Genetics).

NM_017780.4(CHD7):c.2096G>A (p.Ser699Asn)

Genes: CHD7 (chromodomain helicase DNA binding protein 7; plus strand), LOC126860403 (CDK7 strongly-dependent group 2 enhancer GRCh37_chr8:61693034-61694233; plus strand). Cytogenetic location: 8q12.2.
Variant type: single nucleotide variant.
Coding change: c.2096G>A on transcript NM_017780.4 (MANE Select); coding-DNA position 2096, G replaced by A.
Protein change: p.Ser699Asn; replaces serine 699 with asparagine.
Molecular consequence: missense variant. On other transcripts: intron variant (1).
Genome position (GRCh38, 1-based): chr8:60,781,430, G>A. VCF-style: chr8-60781430-G-A. GRCh37 (hg19) VCF-style: chr8-61693989-G-A.
Other names: c.1716+380G>A (NM_001316690.1); short protein forms S699N.
Identifiers: ClinVar variation 560975 (VCV000560975.3), dbSNP rs1563595388, ClinGen allele CA371313675.
Genomic context (GRCh38, chr8:60,781,430, plus strand): 5'-AGCCAAAGGAAAAGAAAGCAAAAACTGCCACGCCAAAACCCAAATCCAGCAAAAAGTCAA[G>A]GTAGGCTGTGGGCAGAAAAAACAACTGCAAAACATTGAGAGTACAGAAATTAGCGCCAAA-3'
Protein context (NP_060250.2, residues 689-709): TPKPKSSKKS[Ser699Asn]NKKPDSEASA